The following is an entry in ClinVar:

NM_000080.4(CHRNE):c.778C>T (p.Leu260Phe)

Genes: C17orf107 (chromosome 17 open reading frame 107; plus strand), CHRNE (cholinergic receptor nicotinic epsilon subunit; minus strand). Cytogenetic location: 17p13.2.
Variant type: single nucleotide variant.
Coding change: c.778C>T on transcript NM_000080.4 (MANE Select); coding-DNA position 778, C replaced by T.
Protein change: p.Leu260Phe; replaces leucine 260 with phenylalanine.
Molecular consequence: missense variant. On other transcripts: 3 prime UTR variant (1).
Genome position (GRCh38, 1-based): chr17:4,901,014, G>A on the plus strand (C>T on the coding strand, the complement: CHRNE is on the minus strand). VCF-style: chr17-4901014-G-A. GRCh37 (hg19) VCF-style: chr17-4804309-G-A.
Other names: c.*481G>A (NM_001145536.2); short protein forms L260F.
Identifiers: ClinVar variation 576424 (VCV000576424.8), dbSNP rs1567638591, ClinGen allele CA397304773.

ClinVar aggregate classification (germline): Uncertain significance (1 of 4 stars; one submission).

Conditions:
Congenital myasthenic syndrome 4A. Also called: MYASTHENIC SYNDROME, CONGENITAL, 4A, SLOW-CHANNEL, AUTOSOMAL RECESSIVE; CONGENITAL MYASTHENIC SYNDROME TYPE Ia1; Myasthenic syndrome, congenital, 4a, slow-channel. Identifiers: Orphanet 590, MedGen C4225413, MONDO:0011600, OMIM 605809.

gnomAD v4.1: 1 of 1,614,008 alleles (0.000062%); no homozygotes.

Submission:

Labcorp Genetics (formerly Invitae), Labcorp
Classification: Uncertain significance for Congenital myasthenic syndrome 4A. Last evaluated: 2023-05-24. Review status: criteria provided, single submitter. Criteria: Invitae Variant Classification Sherloc (09022015). Collection method: clinical testing. Allele origin: germline.
Comment: This sequence change replaces leucine, which is neutral and non-polar, with phenylalanine, which is neutral and non-polar, at codon 260 of the CHRNE protein (p.Leu260Phe). This variant is not present in population databases (gnomAD no frequency). This variant has not been reported in the literature in individuals affected with CHRNE-related conditions. ClinVar contains an entry for this variant (Variation ID: 576424). Advanced modeling of protein sequence and biophysical properties (such as structural, functional, and spatial information, amino acid conservation, physicochemical variation, residue mobility, and thermodynamic stability) has been performed at Invitae for this missense variant, however the output from this modeling did not meet the statistical confidence thresholds required to predict the impact of this variant on CHRNE protein function. In summary, the available evidence is currently insufficient to determine the role of this variant in disease. Therefore, it has been classified as a Variant of Uncertain Significance.